The following is an entry in ClinVar:

ClinVar aggregate classification (germline): Conflicting classifications of pathogenicity. Review status: criteria provided, conflicting classifications (1 of 4 stars). 9 submissions from 9 submitters: Uncertain significance (1); Likely benign (6). 2 of the submissions do not count toward it. Last evaluated 2026-03-01.

Conditions:
Fanconi anemia (FA). Also called: Fanconi's anemia. Identifiers: Orphanet 84, MedGen C0015625, MeSH D005199, MONDO:0019391.
Fanconi anemia complementation group A (FANCA). Also called: Fanconi anemia, group A; FANCA-Related Fanconi Anemia. Identifiers: Orphanet 84, MedGen C3469521, MONDO:0009215, OMIM 227650.
FANCA-related disorder. Also called: FANCA-related condition.
Inborn genetic diseases. Identifiers: MedGen C0950123, MeSH D030342.

Allele frequency attached by ClinVar (database versions not stated): ESP Exome Variant Server 0.00015; TOPMed 0.00015; 1000 Genomes Project 30x 0.00016; 1000 Genomes Project 0.00020; gnomAD 0.00022.
gnomAD v4.1: 175 of 1,613,548 alleles (0.011%); highest among the groups gnomAD compares: Non-Finnish European, 0.014%; no homozygotes.

Submissions (9):

CeGaT Center for Human Genetics Tuebingen
Classification: Likely benign. Last evaluated: 2026-03-01. Review status: criteria provided, single submitter. Criteria: CeGaT Center For Human Genetics Tuebingen Variant Classification Criteria Version 2. Collection method: clinical testing. Allele origin: germline. Affected: yes. Observed: 8 variant alleles.
Comment: FANCA: BP4, BP7

Labcorp Genetics (formerly Invitae), Labcorp
Classification: Likely benign for Fanconi anemia. Last evaluated: 2026-01-18. Review status: criteria provided, single submitter. Criteria: Invitae Variant Classification Sherloc (09022015). Collection method: clinical testing. Allele origin: germline.

Quest Diagnostics Nichols Institute San Juan Capistrano
Classification: Likely benign. Last evaluated: 2025-04-21. Review status: criteria provided, single submitter. Criteria: Quest Diagnostics criteria. Collection method: clinical testing. Allele origin: unknown.

Blueprint Genetics
Classification: Likely benign. Last evaluated: 2024-11-27. Review status: criteria provided, single submitter. Criteria: ACMG Guidelines, 2015. Collection method: clinical testing. Allele origin: germline.

Ambry Genetics
Classification: Likely benign for Inborn genetic diseases. Last evaluated: 2024-10-17. Review status: criteria provided, single submitter. Criteria: Ambry Variant Classification Scheme 2023. Collection method: clinical testing. Allele origin: germline.

Institute for Clinical Genetics, University Hospital TU Dresden, University Hospital TU Dresden
Classification: Uncertain significance. Last evaluated: 2021-11-03. Review status: criteria provided, single submitter. Criteria: ACMG Guidelines, 2015. Collection method: clinical testing. Allele origin: germline.

Sema4
Classification: Likely benign for Fanconi anemia. Last evaluated: 2021-02-18. Review status: criteria provided, single submitter. Criteria: Sema4 Curation Guidelines. Collection method: curation. Allele origin: germline.

Natera, Inc.
Classification: Uncertain significance for Fanconi anemia, group A. Last evaluated: 2020-01-17. Review status: no assertion criteria provided. Collection method: clinical testing. Allele origin: germline. Not counted in ClinVar's aggregate classification.

PreventionGenetics, part of Exact Sciences
Classification: Likely benign for FANCA-related condition. Last evaluated: 2019-09-13. Review status: no assertion criteria provided. Collection method: clinical testing. Allele origin: germline. Not counted in ClinVar's aggregate classification.
Comment: This variant is classified as likely benign based on ACMG/AMP sequence variant interpretation guidelines (Richards et al. 2015 PMID: 25741868, with internal and published modifications).

Literature cited by the submitters: PubMed 32235514 (cited by Quest Diagnostics Nichols Institute San Juan Capistrano).

NM_000135.4(FANCA):c.3801C>T (p.Gly1267=)

Genes: FANCA (FA complementation group A; minus strand), ZNF276 (zinc finger protein 276; plus strand). Cytogenetic location: 16q24.3.
Variant type: single nucleotide variant.
Coding change: c.3801C>T on transcript NM_000135.4 (MANE Select); coding-DNA position 3801, C replaced by T.
Protein change: p.Gly1267=; no amino-acid change (glycine 1267 retained).
Molecular consequence: synonymous variant. On other transcripts: 3 prime UTR variant (2), non-coding transcript variant (4).
Genome position (GRCh38, 1-based): chr16:89,740,831, G>A on the plus strand (C>T on the coding strand, the complement: FANCA is on the minus strand). VCF-style: chr16-89740831-G-A. GRCh37 (hg19) VCF-style: chr16-89807239-G-A.
Other names: c.3801C>T (NM_000135.3); c.3801C>T, p.Gly1267= (NM_001286167.3); c.*2585G>A (NM_001113525.2, NM_152287.4).
Identifiers: ClinVar variation 695850 (VCV000695850.45), dbSNP rs143772894, ClinGen allele CA8250961.
Genomic context (GRCh38, chr16:89,740,831, plus strand): 5'-AGAGGACACCTTGGCTGGTAAGGTCTGACTTACATTTGAGGTCAGATGTGACGACAGCAG[G>A]CCCATCAAGGAGAAGAAGAAAAGGAAAACCAATAGCTGTAAATAAAAACGTGCACTTATT-3'
Protein context (NP_000126.2, residues 1257-1277): LVFLFFFSLM[Gly1267=]LLSSHLTSNS